The following is an entry in ClinVar:

ClinVar aggregate classification (germline): Pathogenic/Likely pathogenic. Review status: criteria provided, multiple submitters, no conflicts (2 of 4 stars). 3 submissions from 3 submitters: Pathogenic (1); Likely pathogenic (2). Last evaluated 2022-12-07.

Conditions:
DPYS-related disorder. Also called: DPYS-related condition.

Allele frequency attached by ClinVar (database versions not stated): TOPMed 0.00001; gnomAD exomes 0.00002.

Submissions (3):

Labcorp Genetics (formerly Invitae), Labcorp
Classification: Likely pathogenic. Last evaluated: 2022-12-07. Review status: criteria provided, single submitter. Criteria: Invitae Variant Classification Sherloc (09022015). Collection method: clinical testing. Allele origin: germline.
Comment: Algorithms developed to predict the effect of sequence changes on RNA splicing suggest that this variant may disrupt the consensus splice site. In summary, the currently available evidence indicates that the variant is pathogenic, but additional data are needed to prove that conclusively. Therefore, this variant has been classified as Likely Pathogenic. ClinVar contains an entry for this variant (Variation ID: 284276). This variant has not been reported in the literature in individuals affected with DPYS-related conditions. This variant is present in population databases (no rsID available, gnomAD 0.01%). This sequence change affects an acceptor splice site in intron 2 of the DPYS gene. It is expected to disrupt RNA splicing. Variants that disrupt the donor or acceptor splice site typically lead to a loss of protein function (PMID: 16199547), and loss-of-function variants in DPYS are known to be pathogenic (PMID: 20362666).

PreventionGenetics, part of Exact Sciences
Classification: Likely pathogenic for DPYS-related condition. Last evaluated: 2022-08-30. Review status: criteria provided, single submitter. Criteria: ACMG Guidelines, 2015. Collection method: clinical testing. Allele origin: germline.
Comment: The DPYS c.424-1G>A variant is predicted to disrupt the AG splice acceptor site and interfere with normal splicing. To our knowledge, this variant has not been reported in the literature. This variant is reported in 0.014% of alleles in individuals of Latino descent in gnomAD. Variants that disrupt the consensus splice acceptor site in DPYS are expected to be pathogenic. This variant is interpreted as likely pathogenic.

Eurofins Ntd Llc (ga)
Classification: Pathogenic. Last evaluated: 2015-10-29. Review status: criteria provided, single submitter. Criteria: EGL Classification Definitions 2015. Collection method: clinical testing. Allele origin: germline. Observed: 1 variant allele, 1 heterozygote.

Literature cited by the submitters: PubMed 16199547 (cited by Labcorp Genetics (formerly Invitae), Labcorp); PubMed 20362666 (cited by Labcorp Genetics (formerly Invitae), Labcorp).

NM_001385.3(DPYS):c.424-1G>A

Gene: DPYS (dihydropyrimidinase; minus strand). Cytogenetic location: 8q22.3.
Variant type: single nucleotide variant.
Coding change: c.424-1G>A on transcript NM_001385.3 (MANE Select); the canonical splice acceptor site of the intron before coding-DNA position 424, G replaced by A.
Molecular consequence: splice acceptor variant.
Genome position (GRCh38, 1-based): chr8:104,447,504, C>T on the plus strand (G>A on the coding strand, the complement: DPYS is on the minus strand). VCF-style: chr8-104447504-C-T. GRCh37 (hg19) VCF-style: chr8-105459732-C-T.
Other names: c.424-1G>A (NM_001385.2).
Identifiers: ClinVar variation 284276 (VCV000284276.9), dbSNP rs879851088, ClinGen allele CA10604743.